The following is an entry in ClinVar:

NM_016507.4(CDK12):c.1024C>G (p.Leu342Val)

Genes: CDK12 (cyclin dependent kinase 12; plus strand), LOC126862553 (CDK7 strongly-dependent group 2 enhancer GRCh37_chr17:37618166-37619365; plus strand). Cytogenetic location: 17q12.
Variant type: single nucleotide variant.
Coding change: c.1024C>G on transcript NM_016507.4 (MANE Select); coding-DNA position 1024, C replaced by G.
Protein change: p.Leu342Val; replaces leucine 342 with valine.
Molecular consequence: missense variant.
Genome position (GRCh38, 1-based): chr17:39,463,095, C>G. VCF-style: chr17-39463095-C-G. GRCh37 (hg19) VCF-style: chr17-37619348-C-G.
Other names: c.1024C>G, p.Leu342Val (NM_015083.4); short protein forms L342V.
Identifiers: ClinVar variation 3830504 (VCV003830504.1).

ClinVar aggregate classification (germline): Uncertain significance (1 of 4 stars; one submission).

Submission:

Ambry Genetics
Classification: Uncertain significance. Last evaluated: 2025-01-14. Review status: criteria provided, single submitter. Criteria: Ambry Variant Classification Scheme 2023. Collection method: clinical testing. Allele origin: germline.
Comment: The p.L342V variant (also known as c.1024C>G), located in coding exon 1 of the CDK12 gene, results from a C to G substitution at nucleotide position 1024. The leucine at codon 342 is replaced by valine, an amino acid with highly similar properties. This amino acid position is conserved. In addition, this alteration is predicted to be tolerated by in silico analysis. Based on the available evidence, the clinical significance of this variant remains unclear.